The following is an entry in ClinVar:

ClinVar aggregate classification (germline): Uncertain significance (1 of 4 stars; one submission).

Allele frequency attached by ClinVar (database versions not stated): gnomAD exomes below 0.00001.
gnomAD v4.1: 4 of 1,614,086 alleles (0.00025%); highest among the groups gnomAD compares: East Asian, 0.0022%; no homozygotes.

Submission:

Labcorp Genetics (formerly Invitae), Labcorp
Classification: Uncertain significance. Last evaluated: 2022-09-25. Review status: criteria provided, single submitter. Criteria: Invitae Variant Classification Sherloc (09022015). Collection method: clinical testing. Allele origin: germline.
Comment: This variant has not been reported in the literature in individuals affected with KLB-related conditions. Advanced modeling of protein sequence and biophysical properties (such as structural, functional, and spatial information, amino acid conservation, physicochemical variation, residue mobility, and thermodynamic stability) performed at Invitae indicates that this missense variant is not expected to disrupt KLB protein function. In summary, the available evidence is currently insufficient to determine the role of this variant in disease. Therefore, it has been classified as a Variant of Uncertain Significance. This variant is not present in population databases (gnomAD no frequency). This sequence change replaces tyrosine, which is neutral and polar, with cysteine, which is neutral and slightly polar, at codon 78 of the KLB protein (p.Tyr78Cys).

NM_175737.4(KLB):c.233A>G (p.Tyr78Cys)

Gene: KLB (klotho beta; plus strand). Cytogenetic location: 4p14.
Variant type: single nucleotide variant.
Coding change: c.233A>G on transcript NM_175737.4 (MANE Select); coding-DNA position 233, A replaced by G.
Protein change: p.Tyr78Cys; replaces tyrosine 78 with cysteine.
Molecular consequence: missense variant.
Genome position (GRCh38, 1-based): chr4:39,407,182, A>G. VCF-style: chr4-39407182-A-G. GRCh37 (hg19) VCF-style: chr4-39408802-A-G.
Other names: short protein forms Y78C.
Identifiers: ClinVar variation 2032574 (VCV002032574.4), dbSNP rs2109815022, ClinGen allele CA356647241.